The following is an entry in ClinVar:

ClinVar aggregate classification (germline): Conflicting classifications of pathogenicity. Review status: criteria provided, conflicting classifications (1 of 4 stars). 2 submissions from 2 submitters: Uncertain significance (1); Likely benign (1). Last evaluated 2022-06-13.

Allele frequency attached by ClinVar (database versions not stated): gnomAD 0.00001; TOPMed 0.00001; ExAC 0.00002; gnomAD exomes 0.00002.
gnomAD v4.1: 26 of 1,613,556 alleles (0.0016%); highest among the groups gnomAD compares: Admixed American, 0.0083%; no homozygotes.

Submissions (2):

Labcorp Genetics (formerly Invitae), Labcorp
Classification: Uncertain significance. Last evaluated: 2022-06-13. Review status: criteria provided, single submitter. Criteria: Invitae Variant Classification Sherloc (09022015). Collection method: clinical testing. Allele origin: germline.
Comment: This sequence change falls in intron 6 of the PROSC gene. It does not directly change the encoded amino acid sequence of the PROSC protein. It affects a nucleotide within the consensus splice site. This variant is present in population databases (rs769416171, gnomAD 0.009%). This variant has not been reported in the literature in individuals affected with PROSC-related conditions. Variants that disrupt the consensus splice site are a relatively common cause of aberrant splicing (PMID: 17576681, 9536098). Algorithms developed to predict the effect of sequence changes on RNA splicing suggest that this variant is not likely to affect RNA splicing. In summary, the available evidence is currently insufficient to determine the role of this variant in disease. Therefore, it has been classified as a Variant of Uncertain Significance.

Blueprint Genetics
Classification: Likely benign. Last evaluated: 2021-02-02. Review status: criteria provided, single submitter. Criteria: ACMG Guidelines, 2015. Collection method: clinical testing. Allele origin: germline.

Literature cited by the submitters: PubMed 17576681 (cited by Labcorp Genetics (formerly Invitae), Labcorp); PubMed 9536098 (cited by Labcorp Genetics (formerly Invitae), Labcorp).

NM_007198.4(PLPBP):c.597+4C>T

Gene: PLPBP (pyridoxal phosphate binding protein; plus strand). Cytogenetic location: 8p11.23.
Variant type: single nucleotide variant.
Coding change: c.597+4C>T on transcript NM_007198.4 (MANE Select); 4 bases into the intron after coding-DNA position 597, C replaced by T.
Molecular consequence: intron variant.
Genome position (GRCh38, 1-based): chr8:37,775,485, C>T. VCF-style: chr8-37775485-C-T. GRCh37 (hg19) VCF-style: chr8-37633003-C-T.
Other names: c.627+4C>T (NM_001349346.2); c.591+4C>T (NM_001349347.2); c.441+4C>T (NM_001349348.2).
Identifiers: ClinVar variation 2167489 (VCV002167489.2), dbSNP rs769416171, ClinGen allele CA4711274.